The following is an entry in ClinVar:

NM_022124.6(CDH23):c.8084A>G (p.Asp2695Gly)

Gene: CDH23 (cadherin related 23; plus strand). Cytogenetic location: 10q22.1.
Variant type: single nucleotide variant.
Coding change: c.8084A>G on transcript NM_022124.6 (MANE Select); coding-DNA position 8084, A replaced by G.
Protein change: p.Asp2695Gly; replaces aspartic acid 2695 with glycine.
Molecular consequence: missense variant.
Genome position (GRCh38, 1-based): chr10:71,806,187, A>G. VCF-style: chr10-71806187-A-G. GRCh37 (hg19) VCF-style: chr10-73565944-A-G.
Other names: c.8084A>G (NM_022124.5); c.1364A>G, p.Asp455Gly (NM_001171933.1, NM_001171934.1); short protein forms D2695G, D455G.
Identifiers: ClinVar variation 1418812 (VCV001418812.9), dbSNP rs1396652775, ClinGen allele CA377162318.

ClinVar aggregate classification (germline): Uncertain significance. Review status: criteria provided, multiple submitters, no conflicts (2 of 4 stars). 4 submissions from 4 submitters: Uncertain significance (4). Last evaluated 2025-10-16.

Conditions:
Inborn genetic diseases. Identifiers: MedGen C0950123, MeSH D030342.

Allele frequency attached by ClinVar (database versions not stated): gnomAD exomes 0.00001; TOPMed 0.00001; gnomAD 0.00002.
gnomAD v4.1: 6 of 1,565,270 alleles (0.00038%); highest among the groups gnomAD compares: African/African-American, 0.0082%; no homozygotes.

Submissions (4):

Ambry Genetics
Classification: Uncertain significance for Inborn genetic diseases. Last evaluated: 2025-10-16. Review status: criteria provided, single submitter. Criteria: Ambry Variant Classification Scheme 2023. Collection method: clinical testing. Allele origin: germline.
Comment: The c.8084A>G (p.D2695G) alteration is located in exon 57 (coding exon 56) of the CDH23 gene. This alteration results from a A to G substitution at nucleotide position 8084, causing the aspartic acid (D) at amino acid position 2695 to be replaced by a glycine (G). Based on data from gnomAD, the G allele has an overall frequency of 0.001% (2/206580) total alleles studied. The highest observed frequency was 0.011% (2/18120) of African alleles. This amino acid position is highly conserved in available vertebrate species. This alteration is predicted to be deleterious by in silico analysis. Based on insufficient or conflicting evidence, the clinical significance of this alteration remains unclear.

Labcorp Genetics (formerly Invitae), Labcorp
Classification: Uncertain significance. Last evaluated: 2024-10-24. Review status: criteria provided, single submitter. Criteria: Invitae Variant Classification Sherloc (09022015). Collection method: clinical testing. Allele origin: germline.
Comment: This sequence change replaces aspartic acid, which is acidic and polar, with glycine, which is neutral and non-polar, at codon 2695 of the CDH23 protein (p.Asp2695Gly). This variant is present in population databases (no rsID available, gnomAD 0.01%). This variant has not been reported in the literature in individuals affected with CDH23-related conditions. ClinVar contains an entry for this variant (Variation ID: 1418812). Invitae Evidence Modeling of protein sequence and biophysical properties (such as structural, functional, and spatial information, amino acid conservation, physicochemical variation, residue mobility, and thermodynamic stability) has been performed for this missense variant. However, the output from this modeling did not meet the statistical confidence thresholds required to predict the impact of this variant on CDH23 protein function. In summary, the available evidence is currently insufficient to determine the role of this variant in disease. Therefore, it has been classified as a Variant of Uncertain Significance.

GeneDx
Classification: Uncertain significance. Last evaluated: 2024-03-13. Review status: criteria provided, single submitter. Criteria: GeneDx Variant Classification Process June 2021. Collection method: clinical testing. Allele origin: germline. Affected: yes.
Comment: In silico analysis supports that this missense variant has a deleterious effect on protein structure/function; Has not been previously published as pathogenic or benign to our knowledge

Blueprint Genetics
Classification: Uncertain significance. Last evaluated: 2021-04-12. Review status: criteria provided, single submitter. Criteria: ACMG Guidelines, 2015. Collection method: clinical testing. Allele origin: germline.